The following is an entry in ClinVar:

NM_001366110.1(PAX4):c.638C>T (p.Thr213Met)

Gene: PAX4 (paired box 4; minus strand). Cytogenetic location: 7q32.1.
Variant type: single nucleotide variant.
Coding change: c.638C>T on transcript NM_001366110.1 (MANE Select); coding-DNA position 638, C replaced by T.
Protein change: p.Thr213Met; replaces threonine 213 with methionine.
Molecular consequence: missense variant.
Genome position (GRCh38, 1-based): chr7:127,613,457, G>A on the plus strand (C>T on the coding strand, the complement: PAX4 is on the minus strand). VCF-style: chr7-127613457-G-A. GRCh37 (hg19) VCF-style: chr7-127253511-G-A.
Other names: c.638C>T, p.Thr213Met (NM_001366111.1); short protein forms T213M.
Identifiers: ClinVar variation 1448516 (VCV001448516.9), dbSNP rs528075802, ClinGen allele CA4468016.

ClinVar aggregate classification (germline): Uncertain significance. Review status: criteria provided, multiple submitters, no conflicts (2 of 4 stars). 2 submissions from 2 submitters: Uncertain significance (2). Last evaluated 2025-09-10.

Conditions:
Maturity-onset diabetes of the young type 9 (MODY9). Identifiers: Orphanet 552, MedGen C2677132, MONDO:0012818, OMIM 612225.

Allele frequency attached by ClinVar (database versions not stated): gnomAD 0.00003 and 0.00005; TOPMed 0.00004; gnomAD exomes 0.00008; ExAC 0.00010; 1000 Genomes Project 30x 0.00016; 1000 Genomes Project 0.00020.
gnomAD v4.1: 109 of 1,613,894 alleles (0.0068%); highest among the groups gnomAD compares: South Asian, 0.063%; 1 homozygote.

Submissions (2):

Genomic Medicine Center of Excellence, King Faisal Specialist Hospital and Research Centre
Classification: Uncertain significance for Maturity-onset diabetes of the young type 9. Last evaluated: 2025-09-10. Review status: criteria provided, single submitter. Criteria: ACMG Guidelines, 2015. Collection method: clinical testing. Allele origin: germline.

Labcorp Genetics (formerly Invitae), Labcorp
Classification: Uncertain significance. Last evaluated: 2024-09-04. Review status: criteria provided, single submitter. Criteria: Invitae Variant Classification Sherloc (09022015). Collection method: clinical testing. Allele origin: germline.
Comment: This sequence change replaces threonine, which is neutral and polar, with methionine, which is neutral and non-polar, at codon 205 of the PAX4 protein (p.Thr205Met). This variant is present in population databases (rs528075802, gnomAD 0.04%). This variant has not been reported in the literature in individuals affected with PAX4-related conditions. ClinVar contains an entry for this variant (Variation ID: 1448516). An algorithm developed to predict the effect of missense changes on protein structure and function (PolyPhen-2) suggests that this variant is likely to be disruptive. In summary, the available evidence is currently insufficient to determine the role of this variant in disease. Therefore, it has been classified as a Variant of Uncertain Significance.